The following is an entry in ClinVar:

NM_016247.4(IMPG2):c.312T>C (p.His104=)

Gene: IMPG2 (interphotoreceptor matrix proteoglycan 2; minus strand). Cytogenetic location: 3q12.3.
Variant type: single nucleotide variant.
Coding change: c.312T>C on transcript NM_016247.4 (MANE Select); coding-DNA position 312, T replaced by C.
Protein change: p.His104=; no amino-acid change (histidine 104 retained).
Molecular consequence: synonymous variant.
Genome position (GRCh38, 1-based): chr3:101,319,606, A>G on the plus strand (T>C on the coding strand, the complement: IMPG2 is on the minus strand). VCF-style: chr3-101319606-A-G. GRCh37 (hg19) VCF-style: chr3-101038450-A-G.
Other names: c.312T>C (NM_016247.3).
Identifiers: ClinVar variation 1987528 (VCV001987528.5), dbSNP rs780780062, ClinGen allele CA2519516.

ClinVar aggregate classification (germline): Likely benign. Review status: criteria provided, multiple submitters, no conflicts (2 of 4 stars). 2 submissions from 2 submitters: Likely benign (2). Last evaluated 2025-10-29.

Conditions:
IMPG2-related disorder. Also called: IMPG2-related condition.

Allele frequency attached by ClinVar (database versions not stated): ExAC 0.00001; gnomAD 0.00001; gnomAD exomes 0.00001; TOPMed 0.00001.
gnomAD v4.1: 11 of 1,613,546 alleles (0.00068%); highest among the groups gnomAD compares: Admixed American, 0.017%; no homozygotes.

Submissions (2):

PreventionGenetics, part of Exact Sciences
Classification: Likely benign for IMPG2-related condition. Last evaluated: 2025-10-29. Review status: criteria provided, single submitter. Criteria: ACMG Guidelines, 2015. Collection method: clinical testing. Allele origin: germline.
Comment: This variant is classified as likely benign based on ACMG/AMP sequence variant interpretation guidelines (Richards et al. 2015 PMID: 25741868, with internal and published modifications).

Labcorp Genetics (formerly Invitae), Labcorp
Classification: Likely benign. Last evaluated: 2025-10-24. Review status: criteria provided, single submitter. Criteria: Invitae Variant Classification Sherloc (09022015). Collection method: clinical testing. Allele origin: germline.